The following is an entry in ClinVar:

ClinVar aggregate classification (germline): Benign/Likely benign. Review status: criteria provided, multiple submitters, no conflicts (2 of 4 stars). 4 submissions from 4 submitters: Benign (1); Likely benign (3). Last evaluated 2025-12-20.

Conditions:
Dilated cardiomyopathy 2B. Identifiers: Orphanet 154, MedGen C3553409, MONDO:0013848, OMIM 614672.

Allele frequency attached by ClinVar (database versions not stated): ExAC below 0.00001; gnomAD exomes 0.00016; gnomAD 0.00019 and 0.00021; TOPMed 0.00021.
gnomAD v4.1: 201 of 1,212,884 alleles (0.017%); highest among the groups gnomAD compares: Middle Eastern, 0.35%; no homozygotes.

Submissions (4):

Labcorp Genetics (formerly Invitae), Labcorp
Classification: Likely benign for Dilated cardiomyopathy 2B. Last evaluated: 2025-12-20. Review status: criteria provided, single submitter. Criteria: Invitae Variant Classification Sherloc (09022015). Collection method: clinical testing. Allele origin: germline.

Blueprint Genetics
Classification: Likely benign. Last evaluated: 2024-11-13. Review status: criteria provided, single submitter. Criteria: ACMG Guidelines, 2015. Collection method: clinical testing. Allele origin: germline.

GeneDx
Classification: Benign. Last evaluated: 2014-04-17. Review status: criteria provided, single submitter. Criteria: GeneDx Variant Classification (06012015). Collection method: clinical testing. Allele origin: germline. Affected: yes.
Comment: This variant is considered likely benign or benign based on one or more of the following criteria: it is a conservative change, it occurs at a poorly conserved position in the protein, it is predicted to be benign by multiple in silico algorithms, and/or has population frequency not consistent with disease.

Breakthrough Genomics
Classification: Likely benign. Review status: criteria provided, single submitter. Criteria: ACMG Guidelines, 2015. Collection method: not provided. Allele origin: germline. Inheritance: Autosomal recessive inheritance. Affected: yes.

NM_021167.5(GATAD1):c.249+15C>T

Genes: GATAD1 (GATA zinc finger domain containing 1; plus strand), LOC129998793 (ATAC-STARR-seq lymphoblastoid silent region 18371; plus strand). Cytogenetic location: 7q21.2.
Variant type: single nucleotide variant.
Coding change: c.249+15C>T on transcript NM_021167.5 (MANE Select); 15 bases into the intron after coding-DNA position 249, C replaced by T.
Molecular consequence: intron variant.
Genome position (GRCh38, 1-based): chr7:92,447,993, C>T. VCF-style: chr7-92447993-C-T. GRCh37 (hg19) VCF-style: chr7-92077307-C-T.
Identifiers: ClinVar variation 137445 (VCV000137445.11), dbSNP rs587780950, ClinGen allele CA333071.